The following is an entry in ClinVar:

ClinVar aggregate classification (germline): Uncertain significance. Review status: criteria provided, multiple submitters, no conflicts (2 of 4 stars). 2 submissions from 2 submitters: Uncertain significance (2). Last evaluated 2025-07-16.

Conditions:
PLEKHG5-related disorder. Also called: PLEKHG5-related condition.
Charcot-Marie-Tooth disease recessive intermediate C. Also called: CHARCOT-MARIE-TOOTH NEUROPATHY, RECESSIVE INTERMEDIATE C. Identifiers: Orphanet 369867, MedGen C3809309, MONDO:0014154, OMIM 615376.
Neuronopathy, distal hereditary motor, autosomal recessive 4. Also called: Autosomal recessive lower motor neuron disease with childhood onset; NEUROPATHY, DISTAL HEREDITARY MOTOR, AUTOSOMAL RECESSIVE 4. Identifiers: Orphanet 206580, MedGen C1970211, MONDO:0012608, OMIM 611067.

Allele frequency attached by ClinVar (database versions not stated): gnomAD 0.00001; TOPMed 0.00001.
gnomAD v4.1: 2 of 1,613,842 alleles (0.00012%); highest among the groups gnomAD compares: African/African-American, 0.0027%; no homozygotes.

Submissions (2):

PreventionGenetics, part of Exact Sciences
Classification: Uncertain significance for PLEKHG5-related condition. Last evaluated: 2025-07-16. Review status: criteria provided, single submitter. Criteria: ACMG Guidelines, 2015. Collection method: clinical testing. Allele origin: germline.
Comment: The PLEKHG5 c.95G>C variant is predicted to result in the amino acid substitution p.Ser32Thr. To our knowledge, this variant has not been reported in the literature or in a large population database (gnomAD), indicating this variant is rare. At this time, the clinical significance of this variant is uncertain due to the absence of conclusive functional and genetic evidence.

Labcorp Genetics (formerly Invitae), Labcorp
Classification: Uncertain significance for Neuronopathy, distal hereditary motor, autosomal recessive 4; Charcot-Marie-Tooth disease recessive intermediate C. Last evaluated: 2021-08-13. Review status: criteria provided, single submitter. Criteria: Invitae Variant Classification Sherloc (09022015). Collection method: clinical testing. Allele origin: germline.
Comment: This sequence change replaces serine with threonine at codon 32 of the PLEKHG5 protein (p.Ser32Thr). The serine residue is highly conserved and there is a small physicochemical difference between serine and threonine. This variant is not present in population databases (ExAC no frequency). This variant has not been reported in the literature in individuals affected with PLEKHG5-related conditions. Algorithms developed to predict the effect of missense changes on protein structure and function are either unavailable or do not agree on the potential impact of this missense change (SIFT: "Deleterious"; PolyPhen-2: "Possibly Damaging"; Align-GVGD: "Class C0"). In summary, the available evidence is currently insufficient to determine the role of this variant in disease. Therefore, it has been classified as a Variant of Uncertain Significance.

NM_020631.6(PLEKHG5):c.95G>C (p.Ser32Thr)

Gene: PLEKHG5 (pleckstrin homology and RhoGEF domain containing G5; minus strand). Cytogenetic location: 1p36.31.
Variant type: single nucleotide variant.
Coding change: c.95G>C on transcript NM_020631.6 (MANE Select); coding-DNA position 95, G replaced by C.
Protein change: p.Ser32Thr; replaces serine 32 with threonine.
Molecular consequence: missense variant.
Genome position (GRCh38, 1-based): chr1:6,475,985, C>G on the plus strand (G>C on the coding strand, the complement: PLEKHG5 is on the minus strand). VCF-style: chr1-6475985-C-G. GRCh37 (hg19) VCF-style: chr1-6536045-C-G.
Other names: c.206G>C, p.Ser69Thr (NM_001042663.3, NM_001265592.2); c.95G>C, p.Ser32Thr (NM_001042664.2, NM_001042665.2, NM_001265594.3 and 1 more transcripts); c.302G>C, p.Ser101Thr (NM_001265593.2); c.95G>C (NM_020631.4); short protein forms S101T, S32T, S69T.
Identifiers: ClinVar variation 1017377 (VCV001017377.7), dbSNP rs763262703, ClinGen allele CA338141365.